The following is an entry in ClinVar:

ClinVar aggregate classification (germline): Uncertain significance (1 of 4 stars; one submission).

Conditions:
Beck-Fahrner syndrome (BEFAHRS). Identifiers: Orphanet 684216, MedGen C5394097, MONDO:0032922, OMIM 618798.

Submission:

Laboratorio de Genetica e Diagnostico Molecular, Hospital Israelita Albert Einstein
Classification: Uncertain significance for Beck-Fahrner syndrome. Last evaluated: 2026-01-27. Review status: criteria provided, single submitter. Criteria: ACMG Guidelines, 2015. Collection method: clinical testing. Allele origin: germline. Affected: yes.
Comment: ACMG classification criteria: PM2 supporting, PP2 supporting, BP4 supporting

NM_001287491.2(TET3):c.5281G>T (p.Gly1761Trp)

Gene: TET3 (tet methylcytosine dioxygenase 3; plus strand). Cytogenetic location: 2p13.1.
Variant type: single nucleotide variant.
Coding change: c.5281G>T on transcript NM_001287491.2 (MANE Select); coding-DNA position 5281, G replaced by T.
Protein change: p.Gly1761Trp; replaces glycine 1761 with tryptophan.
Molecular consequence: missense variant.
Genome position (GRCh38, 1-based): chr2:74,102,069, G>T. VCF-style: chr2-74102069-G-T. GRCh37 (hg19) VCF-style: chr2-74329196-G-T.
Other names: c.5002G>T, p.Gly1668Trp (NM_001366022.1); short protein forms G1668W, G1761W.
Identifiers: ClinVar variation 4846949 (VCV004846949.1).
Genomic context (GRCh38, chr2:74,102,069, plus strand): 5'-GGGAAGAAGCGCAAGTGGGGGGGCACTGTGGTTGCTGAGCCCCAGCAGAAAGAGAAGAAG[G>T]GGGTCGTCCCCACCCGGCAGGCACTGGCTGTGCCCACAGACTCGGCGGTCACCGTGTCCT-3'
Protein context (NP_001274420.1, residues 1751-1771): VAEPQQKEKK[Gly1761Trp]VVPTRQALAV